The following is an entry in ClinVar:

ClinVar aggregate classification (germline): Uncertain significance (1 of 4 stars; one submission).

Submission:

GeneDx
Classification: Uncertain significance. Last evaluated: 2024-01-25. Review status: criteria provided, single submitter. Criteria: GeneDx Variant Classification Process June 2021. Collection method: clinical testing. Allele origin: germline. Affected: yes.
Comment: Not observed at significant frequency in large population cohorts (gnomAD); In silico analysis supports that this missense variant has a deleterious effect on protein structure/function; Has not been previously published as pathogenic or benign to our knowledge

NM_004086.3(COCH):c.725C>A (p.Ser242Tyr)

Genes: COCH (cochlin; plus strand), LOC100506071 (uncharacterized LOC100506071; minus strand). Cytogenetic location: 14q12.
Variant type: single nucleotide variant.
Coding change: c.725C>A on transcript NM_004086.3 (MANE Select); coding-DNA position 725, C replaced by A.
Protein change: p.Ser242Tyr; replaces serine 242 with tyrosine.
Molecular consequence: missense variant. On other transcripts: non-coding transcript variant (1).
Genome position (GRCh38, 1-based): chr14:30,884,648, C>A. VCF-style: chr14-30884648-C-A. GRCh37 (hg19) VCF-style: chr14-31353854-C-A.
Other names: c.725C>A, p.Ser242Tyr (NM_001135058.2); c.920C>A, p.Ser307Tyr (NM_001347720.2); short protein forms S242Y, S307Y.
Identifiers: ClinVar variation 3368239 (VCV003368239.1).